The following is an entry in ClinVar:

NM_002661.5(PLCG2):c.942G>A (p.Met314Ile)

Gene: PLCG2 (phospholipase C gamma 2; plus strand). Cytogenetic location: 16q23.3.
Variant type: single nucleotide variant.
Coding change: c.942G>A on transcript NM_002661.5 (MANE Select); coding-DNA position 942, G replaced by A.
Protein change: p.Met314Ile; replaces methionine 314 with isoleucine.
Molecular consequence: missense variant.
Genome position (GRCh38, 1-based): chr16:81,891,546, G>A. VCF-style: chr16-81891546-G-A. GRCh37 (hg19) VCF-style: chr16-81925151-G-A.
Other names: short protein forms M314I.
Identifiers: ClinVar variation 540097 (VCV000540097.2), dbSNP rs1555517092, ClinGen allele CA396898040.
Genomic context (GRCh38, chr16:81,891,546, plus strand): 5'-GTTTTCACGAGAAAACAGCATCTGGGATGAGAAGTATGACGCGGTGGACATGCAGGACAT[G>A]AACAACCCCCTGTCTCATTACTGGATCTCCTCGTCACATAACACGTGAGTTTCAGATGAG-3'
Protein context (NP_002652.2, residues 304-324): EKYDAVDMQD[Met314Ile]NNPLSHYWIS

ClinVar aggregate classification (germline): Uncertain significance. Review status: criteria provided, multiple submitters, no conflicts (2 of 4 stars). 2 submissions from 2 submitters: Uncertain significance (2). Last evaluated 2022-01-14.

Conditions:
Autoinflammation-PLCG2-associated antibody deficiency-immune dysregulation. Also called: AUTOINFLAMMATION, ANTIBODY DEFICIENCY, AND IMMUNE DYSREGULATION; Autoinflammation, antibody deficiency, and immune dysregulation syndrome; Autoinflammation, antibody deficiency, and immune dysregulation, plcg2-associated. Identifiers: Orphanet 324530, MedGen C3553961, MONDO:0013944, OMIM 614878.
Familial cold autoinflammatory syndrome 3 (FCAS3). Also called: FAMILIAL ATYPICAL COLD URTICARIA; ANTIBODY DEFICIENCY AND IMMUNE DYSREGULATION, PLCG2-ASSOCIATED. Identifiers: Orphanet 300359, MedGen C3280914, MONDO:0013766, OMIM 614468.

Submissions (2):

Fulgent Genetics
Classification: Uncertain significance for Familial cold autoinflammatory syndrome 3; Autoinflammation-PLCG2-associated antibody deficiency-immune dysregulation. Last evaluated: 2022-01-14. Review status: criteria provided, single submitter. Criteria: ACMG Guidelines, 2015. Collection method: clinical testing. Allele origin: unknown.

Labcorp Genetics (formerly Invitae), Labcorp
Classification: Uncertain significance for Familial cold autoinflammatory syndrome 3. Last evaluated: 2017-11-18. Review status: criteria provided, single submitter. Criteria: Invitae Variant Classification Sherloc (09022015). Collection method: clinical testing. Allele origin: germline.
Comment: This sequence change replaces methionine with isoleucine at codon 314 of the PLCG2 protein (p.Met314Ile). The methionine residue is highly conserved and there is a small physicochemical difference between methionine and isoleucine. This variant is not present in population databases (ExAC no frequency). This variant has not been reported in the literature in individuals with PLCG2-related disease. Algorithms developed to predict the effect of missense changes on protein structure and function do not agree on the potential impact of this missense change (SIFT: "Deleterious"; PolyPhen-2: "Probably Damaging"; Align-GVGD: "Class C0"). In summary, the available evidence is currently insufficient to determine the role of this variant in disease. Therefore, it has been classified as a Variant of Uncertain Significance.